The following is an entry in ClinVar:

ClinVar aggregate classification (germline): Uncertain significance (1 of 4 stars; one submission).

Conditions:
Hereditary cancer-predisposing syndrome. Also called: Tumor predisposition; Hereditary Cancer Syndrome; Neoplastic Syndromes, Hereditary; Hereditary neoplastic syndrome. Identifiers: Orphanet 140162, MedGen C0027672, MeSH D009386, MONDO:0015356.

Submission:

Color Diagnostics, LLC DBA Color Health
Classification: Uncertain significance for Hereditary cancer-predisposing syndrome. Last evaluated: 2025-09-03. Review status: criteria provided, single submitter. Criteria: ACMG Guidelines, 2015. Collection method: clinical testing. Allele origin: germline.
Comment: This missense variant replaces lysine with arginine at codon 1686 of the APC protein. Computational prediction suggests that this variant may not impact protein structure and function. To our knowledge, functional studies have not been reported for this variant. This variant has not been reported in individuals affected with APC-related disorders in the literature. This variant has not been identified in the general population by the Genome Aggregation Database (gnomAD). The available evidence is insufficient to determine the role of this variant in disease conclusively. Therefore, this variant is classified as a Variant of Uncertain Significance.

NM_000038.6(APC):c.5057A>G (p.Lys1686Arg)

Gene: APC (APC regulator of Wnt signaling pathway; plus strand). Cytogenetic location: 5q22.2.
Variant type: single nucleotide variant.
Coding change: c.5057A>G on transcript NM_000038.6 (MANE Select); coding-DNA position 5057, A replaced by G.
Protein change: p.Lys1686Arg; replaces lysine 1686 with arginine.
Molecular consequence: missense variant. On other transcripts: non-coding transcript variant (2).
Genome position (GRCh38, 1-based): chr5:112,840,651, A>G. VCF-style: chr5-112840651-A-G. GRCh37 (hg19) VCF-style: chr5-112176348-A-G.
Other names: c.5057A>G, p.Lys1686Arg (NM_001127510.3, NM_001354895.2, NM_001407450.1); c.5003A>G, p.Lys1668Arg (NM_001127511.3); c.5111A>G, p.Lys1704Arg (NM_001354896.2, NM_001407447.1, NM_001407448.1 and 1 more transcripts); c.5087A>G, p.Lys1696Arg (NM_001354897.2); c.4982A>G, p.Lys1661Arg (NM_001354898.2); c.4973A>G, p.Lys1658Arg (NM_001354899.2); c.4934A>G, p.Lys1645Arg (NM_001354900.2); c.4880A>G, p.Lys1627Arg (NM_001354901.2, NM_001407453.1); and 11 more; short protein forms K1302R, K1403R, K1526R, K1557R, K1560R, K1585R, K1595R, K1603R.
Identifiers: ClinVar variation 4756131 (VCV004756131.1).